The following is an entry in ClinVar:

ClinVar aggregate classification (germline): Uncertain significance (1 of 4 stars; one submission).

Conditions:
Neurofibromatosis, type 1 (NF1). Also called: VON RECKLINGHAUSEN DISEASE; Neurofibromatosis, type I; NEUROFIBROMATOSIS, TYPE I, SOMATIC; Peripheral type neurofibromatosis. Identifiers: Orphanet 636, MedGen C0027831, MONDO:0018975, OMIM 162200. Disease mechanism: loss of function.

Submission:

Labcorp Genetics (formerly Invitae), Labcorp
Classification: Uncertain significance for Neurofibromatosis, type 1. Last evaluated: 2018-12-04. Review status: criteria provided, single submitter. Criteria: Invitae Variant Classification Sherloc (09022015). Collection method: clinical testing. Allele origin: germline.
Comment: In summary, the available evidence is currently insufficient to determine the role of this variant in disease. Therefore, it has been classified as a Variant of Uncertain Significance. Algorithms developed to predict the effect of missense changes on protein structure and function are either unavailable or do not agree on the potential impact of this missense change (SIFT: "Tolerated"; PolyPhen-2: "Probably Damaging"; Align-GVGD: "Class C0"). This variant has not been reported in the literature in individuals with NF1-related conditions. This variant is not present in population databases (ExAC no frequency). This sequence change replaces isoleucine with phenylalanine at codon 1971 of the NF1 protein (p.Ile1971Phe). The isoleucine residue is moderately conserved and there is a small physicochemical difference between isoleucine and phenylalanine.

NM_001042492.3(NF1):c.5974A>T (p.Ile1992Phe)

Gene: NF1 (neurofibromin 1; plus strand). Cytogenetic location: 17q11.2.
Variant type: single nucleotide variant.
Coding change: c.5974A>T on transcript NM_001042492.3 (MANE Select); coding-DNA position 5974, A replaced by T.
Protein change: p.Ile1992Phe; replaces isoleucine 1992 with phenylalanine.
Molecular consequence: missense variant.
Genome position (GRCh38, 1-based): chr17:31,334,999, A>T. VCF-style: chr17-31334999-A-T. GRCh37 (hg19) VCF-style: chr17-29662017-A-T.
Other names: c.5911A>T, p.Ile1971Phe (NM_000267.4); short protein forms I1992F, I1971F.
Identifiers: ClinVar variation 651925 (VCV000651925.5), dbSNP rs1597840279, ClinGen allele CA399010910.